The following is an entry in ClinVar:

NM_001024630.4(RUNX2):c.90del (p.Ser31fs)

Gene: RUNX2 (RUNX family transcription factor 2; plus strand). Cytogenetic location: 6p21.1.
Variant type: Deletion.
Coding change: c.90del on transcript NM_001024630.4 (MANE Select); coding-DNA position 90, one base deleted (C; older notation c.90delC).
Protein change: p.Ser31fs; shifts the reading frame from serine 31.
Molecular consequence: frameshift variant.
Genome position (GRCh38, 1-based): chr6:45,422,624, C deleted; the last of 7 consecutive C bases (chr6:45,422,618-45,422,624); deleting any one gives the same sequence. VCF-style (leftmost placement, unchanged base first): chr6-45422617-GC-G. GRCh37 (hg19) VCF-style: chr6-45390354-GC-G.
Other names: c.90del, p.Ser31fs (NM_001015051.4); c.48del, p.Ser17fs (NM_001278478.2, NM_001369405.1); short protein forms S17fs, S31fs.
Identifiers: ClinVar variation 929063 (VCV000929063.3), dbSNP rs397515538, ClinGen allele CA450347884.

ClinVar aggregate classification (germline): Likely pathogenic. Review status: criteria provided, multiple submitters, no conflicts (2 of 4 stars). 2 submissions from 2 submitters: Likely pathogenic (2). Last evaluated 2019-07-11.

Conditions:
Metaphyseal dysplasia-maxillary hypoplasia-brachydacty syndrome. Also called: Metaphyseal dysplasia with maxillary hypoplasia and brachydactyly; Metaphyseal dysplasia with maxillary hypoplasia with or without brachydactyly; METAPHYSEAL DYSPLASIA AND MAXILLARY HYPOPLASIA WITH OR WITHOUT BRACHYDACTYLY. Identifiers: Orphanet 2504, MedGen C3549874, MONDO:0007984, OMIM 156510.
Cleidocranial dysostosis (CLCD1). Also called: Cleidocranial Dysplasia Spectrum Disorder; cleidocranial dysplasia 1; Marie-Sainton disease. Identifiers: Orphanet 1452, MedGen C0008928, MONDO:0007340, OMIM 119600.

Submissions (2):

Women's Health and Genetics/Laboratory Corporation of America, LabCorp
Classification: Likely pathogenic for Cleidocranial dysostosis. Last evaluated: 2019-07-11. Review status: criteria provided, single submitter. Criteria: LabCorp Variant Classification Summary - May 2015. Collection method: clinical testing. Allele origin: germline.
Comment: Variant summary: RUNX2 c.90delC (p.Ser31ProfsX9) results in a premature termination codon, predicted to cause a truncation of the encoded protein or absence of the protein due to nonsense mediated decay (NMD), which are commonly known mechanisms for disease. However, downstream from the variant, there is a second ATG codon in an appropriate context for translational initiation, and at least one in vitro study has described that a construct containing only the second ATG codon (i.e. Met39) was nearly as active as the WT construct containing both; on the other hand, the same study demonstrated that deletion of the first 38 amino acid residues led to a partial decrease in transactivation activity (PMID: 9632804). The variant was observed in 1/31166 control chromosomes (gnomAD database, genome dataset). To our knowledge, no occurrence of c.90delC in individuals affected with Cleidocranial Dysplasia (CCD) and no experimental evidence demonstrating its impact on protein function have been reported. However, different variant, affecting the same nucleotide position, and resulting in a similar protein level change (i.e. a frameshift), RUNX2 c.90dupC (p.Ser31Leufs), has been described in the literature in a proband with mild CCD, and with significant intrafamilial variability in expressivity, leading the authors to interpret this variant as a hypomorphic allele, which could be possibly explained by the utilization of the downstream ATG codon for translational initiation (PMID: 10545612). No clinical diagnostic laboratories have submitted clinical-significance assessments for this variant to ClinVar after 2014. Based on the evidence outlined above, the variant of interest could possibly represent a hypomorphic variant associated with milder phenotype, or potentially even a typical truncating variant associated with a more severe phenotype (based on NMD), therefore it was classified as likely pathogenic.

Juno Genomics, Hangzhou Juno Genomics, Inc
Classification: Likely pathogenic for Cleidocranial dysostosis; Metaphyseal dysplasia-maxillary hypoplasia-brachydacty syndrome. Review status: criteria provided, single submitter. Criteria: ACMG Guidelines, 2015. Collection method: clinical testing. Allele origin: germline. Affected: yes.
Comment: Absent from controls (or at extremely low frequency if recessive) in Genome Aggregation Database, Exome Sequencing Project, 1000 Genomes Project, or Exome Aggregation Consortium.;Null variant in a gene where loss of function (LOF) is a known mechanism of disease.